The following is an entry in ClinVar:

ClinVar aggregate classification (germline): Uncertain significance (1 of 4 stars; one submission).

Conditions:
Propionic acidemia (PROP). Also called: GLYCINEMIA, KETOTIC; HYPERGLYCINEMIA WITH KETOACIDOSIS AND LEUKOPENIA; KETOTIC HYPERGLYCINEMIA. Identifiers: Orphanet 35, MedGen C0268579, MONDO:0011628, OMIM 606054, HP:0003571.

Allele frequency attached by ClinVar (database versions not stated): gnomAD 0.00001.
gnomAD v4.1: 1 of 1,611,346 alleles (0.000062%); highest among the groups gnomAD compares: African/African-American, 0.0013%; no homozygotes.

Submission:

Labcorp Genetics (formerly Invitae), Labcorp
Classification: Uncertain significance for Propionic acidemia. Last evaluated: 2022-01-23. Review status: criteria provided, single submitter. Criteria: Invitae Variant Classification Sherloc (09022015). Collection method: clinical testing. Allele origin: germline.
Comment: This sequence change replaces aspartic acid, which is acidic and polar, with asparagine, which is neutral and polar, at codon 212 of the PCCB protein (p.Asp212Asn). This variant is present in population databases (no rsID available, gnomAD 0.01%). This variant has not been reported in the literature in individuals affected with PCCB-related conditions. Advanced modeling of protein sequence and biophysical properties (such as structural, functional, and spatial information, amino acid conservation, physicochemical variation, residue mobility, and thermodynamic stability) performed at Invitae indicates that this missense variant is expected to disrupt PCCB protein function. In summary, the available evidence is currently insufficient to determine the role of this variant in disease. Therefore, it has been classified as a Variant of Uncertain Significance.

NM_000532.5(PCCB):c.634G>A (p.Asp212Asn)

Gene: PCCB (propionyl-CoA carboxylase subunit beta; plus strand). Cytogenetic location: 3q22.3.
Variant type: single nucleotide variant.
Coding change: c.634G>A on transcript NM_000532.5 (MANE Select); coding-DNA position 634, G replaced by A.
Protein change: p.Asp212Asn; replaces aspartic acid 212 with asparagine.
Molecular consequence: missense variant.
Genome position (GRCh38, 1-based): chr3:136,283,927, G>A. VCF-style: chr3-136283927-G-A. GRCh37 (hg19) VCF-style: chr3-136002769-G-A.
Other names: c.694G>A, p.Asp232Asn (NM_001178014.2); short protein forms D212N, D232N.
Identifiers: ClinVar variation 2089212 (VCV002089212.1), dbSNP rs1420841667, ClinGen allele CA354641940.